The following is an entry in ClinVar:

ClinVar aggregate classification (germline): Uncertain significance (1 of 4 stars; one submission).

Conditions:
Menkes kinky-hair syndrome (MNK). Also called: Classic Menkes Disease; Copper transport disease; Menkes Disease. Identifiers: Orphanet 565, MedGen C0022716, MONDO:0010651, OMIM 309400.
X-linked distal spinal muscular atrophy type 3. Also called: ATP7A-Related Distal Motor Neuropathy; SPINAL MUSCULAR ATROPHY, DISTAL, X-LINKED RECESSIVE; NEURONOPATHY, DISTAL HEREDITARY MOTOR, X-LINKED; NEUROPATHY, DISTAL HEREDITARY MOTOR, X-LINKED. Identifiers: Orphanet 139557, MedGen C1845359, MONDO:0010338, OMIM 300489.
Cutis laxa, X-linked (OHS). Also called: EDS IX; Occipital horn syndrome. Identifiers: Orphanet 198, MedGen C0268353, MONDO:0010572, OMIM 304150.

Submission:

Labcorp Genetics (formerly Invitae), Labcorp
Classification: Uncertain significance for X-linked distal spinal muscular atrophy type 3; Cutis laxa, X-linked; Menkes kinky-hair syndrome. Last evaluated: 2023-01-20. Review status: criteria provided, single submitter. Criteria: Invitae Variant Classification Sherloc (09022015). Collection method: clinical testing. Allele origin: unknown.
Comment: In summary, the available evidence is currently insufficient to determine the role of this variant in disease. Therefore, it has been classified as a Variant of Uncertain Significance. This variant has not been reported in the literature in individuals affected with ATP7A-related conditions. This variant results in a copy number gain of the genomic region encompassing exon(s) 22-23 of the ATP7A gene. This region includes the termination codon of the gene. This copy number gain extends beyond the assayed region for this gene and therefore may encompass additional genes. As the precise location of this event is unknown, it may be in tandem or it may be located elsewhere in the genome.

NC_000023.10:g.(?_77300947)_(77381327_?)dup

Genes: ATP7A (ATPase copper transporting alpha; plus strand), PGK1 (phosphoglycerate kinase 1; plus strand). Cytogenetic location: Xq21.1.
Variant type: Duplication.
Identifiers: ClinVar variation 3244806 (VCV003244806.1).